The following is an entry in ClinVar:

ClinVar aggregate classification (germline): Uncertain significance (1 of 4 stars; one submission).

Conditions:
PLCG2-related disorder. Also called: PLCG2-related condition.

Submission:

PreventionGenetics, part of Exact Sciences
Classification: Uncertain significance for PLCG2-related condition. Last evaluated: 2023-05-03. Review status: criteria provided, single submitter. Criteria: ACMG Guidelines, 2015. Collection method: clinical testing. Allele origin: germline.
Comment: The PLCG2 c.94A>C variant is predicted to result in the amino acid substitution p.Ser32Arg. To our knowledge, this variant has not been reported in the literature or in a large population database, indicating this variant is rare. At this time, the clinical significance of this variant is uncertain due to the absence of conclusive functional and genetic evidence.

NM_002661.5(PLCG2):c.94A>C (p.Ser32Arg)

Gene: PLCG2 (phospholipase C gamma 2; plus strand). Cytogenetic location: 16q23.3.
Variant type: single nucleotide variant.
Coding change: c.94A>C on transcript NM_002661.5 (MANE Select); coding-DNA position 94, A replaced by C.
Protein change: p.Ser32Arg; replaces serine 32 with arginine.
Molecular consequence: missense variant.
Genome position (GRCh38, 1-based): chr16:81,786,083, A>C. VCF-style: chr16-81786083-A-C. GRCh37 (hg19) VCF-style: chr16-81819688-A-C.
Other names: short protein forms S32R.
Identifiers: ClinVar variation 2633165 (VCV002633165.1), dbSNP rs1314680723, ClinGen allele CA396895453.